The following is an entry in ClinVar:

ClinVar aggregate classification (germline): Uncertain significance (1 of 4 stars; one submission).

gnomAD v4.1: 10 of 1,613,982 alleles (0.00062%); highest among the groups gnomAD compares: East Asian, 0.0022%; no homozygotes.

Submission:

Dasa
Classification: Uncertain significance. Last evaluated: 2025-11-13. Review status: criteria provided, single submitter. Criteria: DASA Assertion Criteria. Collection method: clinical testing. Allele origin: germline.
Comment: NM_005121.3(MED13):c.6330C>G (p.Asp2110Glu) is a missense variant that results in the substitution of aspartic acid with glutamic acid. This variant is rare in population databases. The currently available literature and clinical evidence are not sufficient to establish a definitive association between this variant and the reported condition. Therefore, this variant is classified as a variant of uncertain significance.

NM_005121.3(MED13):c.6330C>G (p.Asp2110Glu)

Gene: MED13 (mediator complex subunit 13; minus strand). Cytogenetic location: 17q23.2.
Variant type: single nucleotide variant.
Coding change: c.6330C>G on transcript NM_005121.3 (MANE Select); coding-DNA position 6330, C replaced by G.
Protein change: p.Asp2110Glu; replaces aspartic acid 2110 with glutamic acid.
Molecular consequence: missense variant.
Genome position (GRCh38, 1-based): chr17:61,946,979, G>C on the plus strand (C>G on the coding strand, the complement: MED13 is on the minus strand). VCF-style: chr17-61946979-G-C. GRCh37 (hg19) VCF-style: chr17-60024340-G-C.
Other names: short protein forms D2110E.
Identifiers: ClinVar variation 4883462 (VCV004883462.2).